The following is an entry in ClinVar:

ClinVar aggregate classification (germline): Uncertain significance (1 of 4 stars; one submission).

Conditions:
Deafness-lymphedema-leukemia syndrome. Also called: Lymphedema, primary, with myelodysplasia; Emberger syndrome. Identifiers: Orphanet 3226, MedGen C3279664, MONDO:0013540, OMIM 614038.
Monocytopenia with susceptibility to infections. Also called: MONOCYTOPENIA AND MYCOBACTERIAL INFECTION SYNDROME; MONOCYTOPENIA WITH SUSCEPTIBILITY TO MYCOBACTERIAL, FUNGAL, AND PAPILLOMAVIRUS INFECTIONS AND MYELODYSPLASIA; COMBINED IMMUNODEFICIENCY WITH SUSCEPTIBILITY TO MYCOBACTERIAL, VIRAL, AND FUNGAL INFECTIONS; Dendritic cell, monocyte, B lymphocyte, and natural killer lymphocyte deficiency; IMMUNODEFICIENCY 21; GATA2 DEFICIENCY. Identifiers: Orphanet 228423, MedGen C3280030, MONDO:0013607, OMIM 614172.

Submission:

Labcorp Genetics (formerly Invitae), Labcorp
Classification: Uncertain significance for Monocytopenia with susceptibility to infections; Deafness-lymphedema-leukemia syndrome. Last evaluated: 2022-11-13. Review status: criteria provided, single submitter. Criteria: Invitae Variant Classification Sherloc (09022015). Collection method: clinical testing. Allele origin: germline.
Comment: In summary, the available evidence is currently insufficient to determine the role of this variant in disease. Therefore, it has been classified as a Variant of Uncertain Significance. Advanced modeling of protein sequence and biophysical properties (such as structural, functional, and spatial information, amino acid conservation, physicochemical variation, residue mobility, and thermodynamic stability) performed at Invitae indicates that this missense variant is not expected to disrupt GATA2 protein function. This variant has not been reported in the literature in individuals affected with GATA2-related conditions. This variant is not present in population databases (gnomAD no frequency). This sequence change replaces leucine, which is neutral and non-polar, with valine, which is neutral and non-polar, at codon 90 of the GATA2 protein (p.Leu90Val).

NM_032638.5(GATA2):c.268T>G (p.Leu90Val)

Gene: GATA2 (GATA binding protein 2; minus strand). Cytogenetic location: 3q21.3.
Variant type: single nucleotide variant.
Coding change: c.268T>G on transcript NM_032638.5 (MANE Select); coding-DNA position 268, T replaced by G.
Protein change: p.Leu90Val; replaces leucine 90 with valine.
Molecular consequence: missense variant.
Genome position (GRCh38, 1-based): chr3:128,486,330, A>C on the plus strand (T>G on the coding strand, the complement: GATA2 is on the minus strand). VCF-style: chr3-128486330-A-C. GRCh37 (hg19) VCF-style: chr3-128205173-A-C.
Other names: c.268T>G, p.Leu90Val (NM_001145661.2, NM_001145662.1); short protein forms L90V.
Identifiers: ClinVar variation 2941529 (VCV002941529.3), dbSNP rs2068699336, ClinGen allele CA354407716.